The following is an entry in ClinVar:

ClinVar aggregate classification (germline): Likely benign. Review status: criteria provided, multiple submitters, no conflicts (2 of 4 stars). 4 submissions from 4 submitters: Likely benign (3). 1 of the submissions does not count toward it. Last evaluated 2026-04-01.

Conditions:
MHC class II deficiency. Also called: Bare lymphocyte syndrome 2; BLS, TYPE II. Identifiers: Orphanet 572, MedGen C5447452, MONDO:0008855.

Allele frequency attached by ClinVar (database versions not stated): gnomAD 0.00001; gnomAD exomes 0.00002 and 0.00006; ExAC 0.00010; TOPMed 0.00012.
gnomAD v4.1: 26 of 1,613,778 alleles (0.0016%); highest among the groups gnomAD compares: Admixed American, 0.027%; no homozygotes.

Submissions (4):

CeGaT Center for Human Genetics Tuebingen
Classification: Likely benign. Last evaluated: 2026-04-01. Review status: criteria provided, single submitter. Criteria: CeGaT Center For Human Genetics Tuebingen Variant Classification Criteria Version 2. Collection method: clinical testing. Allele origin: germline. Affected: yes. Observed: 1 variant allele.
Comment: CIITA: BP4, BP7

Labcorp Genetics (formerly Invitae), Labcorp
Classification: Likely benign for MHC class II deficiency. Last evaluated: 2025-08-23. Review status: criteria provided, single submitter. Criteria: Invitae Variant Classification Sherloc (09022015). Collection method: clinical testing. Allele origin: germline.

Blueprint Genetics
Classification: Likely benign. Last evaluated: 2022-08-11. Review status: criteria provided, single submitter. Criteria: ACMG Guidelines, 2015. Collection method: clinical testing. Allele origin: germline.

Natera, Inc.
Classification: Uncertain significance for Bare lymphocyte syndrome type II. Last evaluated: 2020-01-24. Review status: no assertion criteria provided. Collection method: clinical testing. Allele origin: germline. Not counted in ClinVar's aggregate classification.

NM_000246.4(CIITA):c.1149C>T (p.Ala383=)

Gene: CIITA (class II major histocompatibility complex transactivator; plus strand). Cytogenetic location: 16p13.13.
Variant type: single nucleotide variant.
Coding change: c.1149C>T on transcript NM_000246.4 (MANE Select); coding-DNA position 1149, C replaced by T.
Protein change: p.Ala383=; no amino-acid change (alanine 383 retained).
Molecular consequence: synonymous variant. On other transcripts: intron variant (1).
Genome position (GRCh38, 1-based): chr16:10,906,641, C>T. VCF-style: chr16-10906641-C-T. GRCh37 (hg19) VCF-style: chr16-11000498-C-T.
Other names: c.1152C>T, p.Ala384= (NM_001286402.1, NM_001379332.1); c.1005C>T, p.Ala335= (NM_001379330.1); c.1002C>T, p.Ala334= (NM_001379331.1); c.1149C>T, p.Ala383= (NM_001379333.1); c.1080C>T, p.Ala360= (NM_001379334.1); c.859+1829C>T (NM_001286403.2).
Identifiers: ClinVar variation 752610 (VCV000752610.14), dbSNP rs748867171, ClinGen allele CA7900066.